The following is an entry in ClinVar:

ClinVar aggregate classification (germline): Benign (1 of 4 stars; one submission).

Allele frequency attached by ClinVar (database versions not stated): gnomAD 0.06203; 1000 Genomes Project 0.06250; 1000 Genomes Project 30x 0.06433; TOPMed 0.06672.
gnomAD v4.1: 47,730 of 1,269,282 alleles (3.8%); highest among the groups gnomAD compares: African/African-American, 13%; 1,363 homozygotes.

Submission:

Unidad de Genómica Garrahan, Hospital de Pediatría Garrahan
Classification: Benign. Last evaluated: 2024-01-24. Review status: criteria provided, single submitter. Criteria: ACMG Guidelines, 2015. Collection method: clinical testing. Allele origin: germline. Affected: no. Observed: 19 variant alleles.
Comment: This variant is classified as Benign based on local population frequency. This variant was detected in 20% of patients studied by a panel of primary immunodeficiencies. Number of patients: 19. Only high quality variants are reported.

NM_145725.3(TRAF3):c.651+77C>T

Genes: TRAF3 (TNF receptor associated factor 3; plus strand), LOC126862065 (BRD4-independent group 4 enhancer GRCh37_chr14:103352003-103353202; plus strand). Cytogenetic location: 14q32.32.
Variant type: single nucleotide variant.
Coding change: c.651+77C>T on transcript NM_145725.3 (MANE Select); 77 bases into the intron after coding-DNA position 651, C replaced by T.
Molecular consequence: intron variant.
Genome position (GRCh38, 1-based): chr14:102,886,346, C>T. VCF-style: chr14-102886346-C-T. GRCh37 (hg19) VCF-style: chr14-103352683-C-T.
Other names: c.651+77C>T (NM_001385142.1, NM_145726.3, NM_003300.4); c.571-3214C>T (NM_001385143.1); c.570+9821C>T (NM_001199427.2).
Identifiers: ClinVar variation 2688346 (VCV002688346.2), dbSNP rs28410620, ClinGen allele CA14017345.